The following is an entry in ClinVar:

NM_001289808.2(CRYAB):c.37C>A (p.Pro13Thr)

Gene: CRYAB (crystallin alpha B; minus strand). Cytogenetic location: 11q23.1.
Variant type: single nucleotide variant.
Coding change: c.37C>A on transcript NM_001289808.2 (MANE Select); coding-DNA position 37, C replaced by A.
Protein change: p.Pro13Thr; replaces proline 13 with threonine.
Molecular consequence: missense variant.
Genome position (GRCh38, 1-based): chr11:111,911,688, G>T on the plus strand (C>A on the coding strand, the complement: CRYAB is on the minus strand). VCF-style: chr11-111911688-G-T. GRCh37 (hg19) VCF-style: chr11-111782412-G-T.
Other names: c.37C>A, p.Pro13Thr (NM_001289807.1, NM_001368245.1, NM_001885.3); short protein forms P13T.
Identifiers: ClinVar variation 1044759 (VCV001044759.13), dbSNP rs1349139935, ClinGen allele CA382601037.
Genomic context (GRCh38, chr11:111,911,688, plus strand): 5'-ACAGGTGCTCTCCGAAGAACTGGTCAAAGAGGCGGCTGGGGGAGTGGAAAGGAAAGAAGG[G>T]GCGGCGGATCCAGGGGTGGTGGATGGCGATGTCCATGGTGGCTAGGTGAGTGTGAGGGGT-3'
Protein context (NP_001276737.1, residues 3-23): IAIHHPWIRR[Pro13Thr]FFPFHSPSRL

ClinVar aggregate classification (germline): Uncertain significance. Review status: criteria provided, multiple submitters, no conflicts (2 of 4 stars). 4 submissions from 4 submitters: Uncertain significance (4). Last evaluated 2025-12-14.

Conditions:
Fatal infantile hypertonic myofibrillar myopathy (MFM2B). Also called: MYOPATHY, MYOFIBRILLAR, 2B, INFANTILE-ONSET; MFM, FATAL INFANTILE HYPERTONIC, ALPHA-B CRYSTALLIN-RELATED. Identifiers: Orphanet 280553, MedGen C5190691, MONDO:0013472, OMIM 613869.
Cataract 16 multiple types. Also called: CATARACT 16, POSTERIOR POLAR; CATARACT 16, CONGENITAL LAMELLAR; CATARACT, CONGENITAL LAMELLAR. Identifiers: Orphanet 91492, Orphanet 98992, Orphanet 98993, Orphanet 98995, MedGen C3808377, MONDO:0013411, OMIM 613763.
Dilated cardiomyopathy 1II (CMD1II). Identifiers: Orphanet 154, MedGen C3554649, MONDO:0014073, OMIM 615184.
Myofibrillar myopathy 2. Also called: MYOPATHY, MYOFIBRILLAR, 2A, ADULT-ONSET; MYOPATHY, MYOFIBRILLAR, WITH OR WITHOUT CATARACT AND/OR CARDIOMYOPATHY; MYOPATHY, DESMIN-RELATED, ASSOCIATED WITH MUTATION IN THE CRYAB GENE; MYOPATHY, MYOFIBRILLAR, ALPHA-B CRYSTALLIN-RELATED. Identifiers: Orphanet 280553, Orphanet 399058, MedGen C1837317, MONDO:0012130.
Cardiovascular phenotype. Identifiers: MedGen CN230736.

Allele frequency attached by ClinVar (database versions not stated): TOPMed 0.00003; gnomAD 0.00006.
gnomAD v4.1: 11 of 1,602,296 alleles (0.00069%); highest among the groups gnomAD compares: African/African-American, 0.013%; no homozygotes.

Submissions (4):

Labcorp Genetics (formerly Invitae), Labcorp
Classification: Uncertain significance for Dilated cardiomyopathy 1II. Last evaluated: 2025-12-14. Review status: criteria provided, single submitter. Criteria: Invitae Variant Classification Sherloc (09022015). Collection method: clinical testing. Allele origin: germline.
Comment: This sequence change replaces proline, which is neutral and non-polar, with threonine, which is neutral and polar, at codon 13 of the CRYAB protein (p.Pro13Thr). The frequency data for this variant in the population databases is considered unreliable, as metrics indicate poor data quality at this position in the gnomAD database. This variant has not been reported in the literature in individuals affected with CRYAB-related conditions. ClinVar contains an entry for this variant (Variation ID: 1044759). An algorithm developed to predict the effect of missense changes on protein structure and function (PolyPhen-2) suggests that this variant is likely to be tolerated. In summary, the available evidence is currently insufficient to determine the role of this variant in disease. Therefore, it has been classified as a Variant of Uncertain Significance.

Ambry Genetics
Classification: Uncertain significance for Cardiovascular phenotype. Last evaluated: 2025-08-31. Review status: criteria provided, single submitter. Criteria: Ambry Variant Classification Scheme 2023. Collection method: clinical testing. Allele origin: germline.

Fulgent Genetics
Classification: Uncertain significance for Cataract 16 multiple types; Fatal infantile hypertonic myofibrillar myopathy; Dilated cardiomyopathy 1II. Last evaluated: 2021-09-20. Review status: criteria provided, single submitter. Criteria: ACMG Guidelines, 2015. Collection method: clinical testing. Allele origin: unknown.

GeneDx
Classification: Uncertain significance. Last evaluated: 2021-06-24. Review status: criteria provided, single submitter. Criteria: GeneDx Variant Classification Process June 2021. Collection method: clinical testing. Allele origin: germline. Affected: yes.
Comment: Has not been previously published as pathogenic or benign to our knowledge; Not observed at significant frequency in large population cohorts (Lek et al., 2016); In silico analysis supports that this missense variant has a deleterious effect on protein structure/function; Reported in ClinVar but additional evidence is not available (ClinVar Variant ID#1044759; Landrum et al., 2016); This variant is associated with the following publications: (PMID: 27535533)